The following is an entry in ClinVar:

ClinVar aggregate classification (germline): Pathogenic. Review status: criteria provided, multiple submitters, no conflicts (2 of 4 stars). 12 submissions from 12 submitters: Pathogenic (12). Last evaluated 2025-11-26.

Conditions:
Becker muscular dystrophy, Cardiomyopathy, Duchenne muscular dystrophy, Dystrophin deficiency.
Cardiovascular phenotype. Identifiers: MedGen CN230736.
Becker muscular dystrophy (BMD). Also called: Becker Muscular Dystrophy (BMD); MUSCULAR DYSTROPHY, PSEUDOHYPERTROPHIC PROGRESSIVE, BECKER TYPE. Identifiers: Orphanet 98895, MedGen C0917713, MONDO:0010311, OMIM 300376.
Dilated cardiomyopathy 3B (CMD3B). Also called: CMD3B: DMD-Related Dilated Cardiomyopathy; CARDIOMYOPATHY, DILATED, X-LINKED; DMD-Associated Dilated Cardiomyopathy. Identifiers: Orphanet 154, MedGen C3668940, MONDO:0010542, OMIM 302045.
Duchenne muscular dystrophy (DMD). Also called: Duchenne Muscular Dystrophy (DMD); MUSCULAR DYSTROPHY, PSEUDOHYPERTROPHIC PROGRESSIVE, DUCHENNE TYPE. Identifiers: Orphanet 98896, MedGen C0013264, MONDO:0010679, OMIM 310200.
Abnormality of the musculature. Identifiers: MedGen C4021745, HP:0003011.

Submissions (12):

Natera, Inc.
Classification: Pathogenic for Becker muscular dystrophy, Cardiomyopathy, Duchenne muscular dystrophy, Dystrophin deficiency. Last evaluated: 2025-11-26. Review status: criteria provided, single submitter. Criteria: Natera Variant Classification Schema (03/2026). Collection method: clinical testing. Allele origin: germline.
Comment: The c.10171C>T variant in DMD is a nonsense variant predicted to introduce a stop codon at amino acid 3391. This variant is expected to result in nonsense mediated decay, truncation, or a dysfunctional protein product. This variant is rare in the general population with a frequency below the threshold expected for the associated phenotype(s). This variant has been observed in affected individual(s) with monoallelic occurrence (heterozygous/hemizygous) (PMID: 20485447, 25612904). Given the available evidence, this variant is classified as Pathogenic.

Ambry Genetics
Classification: Pathogenic for Cardiovascular phenotype. Last evaluated: 2025-09-10. Review status: criteria provided, single submitter. Criteria: Ambry Variant Classification Scheme 2023. Collection method: clinical testing. Allele origin: germline.
Comment: The c.10171C>T (p.R3391*) alteration, located in exon 70 (coding exon 70) of the DMD gene, consists of a C to T substitution at nucleotide position 10171. This changes the amino acid from an arginine (R) to a stop codon at amino acid position 3391. This alteration is expected to result in loss of function by premature protein truncation or nonsense-mediated mRNA decay. This variant was not reported in population-based cohorts in the Genome Aggregation Database (gnomAD). This variant was reported as hemizygous in individual(s) with features consistent with Duchenne muscular dystrophy (Cunniff, 2009; Li, 2015; Takeshima, 2010). Based on the available evidence, this alteration is classified as pathogenic.

Labcorp Genetics (formerly Invitae), Labcorp
Classification: Pathogenic for Duchenne muscular dystrophy. Last evaluated: 2025-09-05. Review status: criteria provided, single submitter. Criteria: Invitae Variant Classification Sherloc (09022015). Collection method: clinical testing. Allele origin: germline.
Comment: This sequence change creates a premature translational stop signal (p.Arg3391*) in the DMD gene. It is expected to result in an absent or disrupted protein product. Loss-of-function variants in DMD are known to be pathogenic (PMID: 16770791, 25007885). This variant is not present in population databases (gnomAD no frequency). This premature translational stop signal has been observed in individuals with Duchenne muscular dystrophy (PMID: 8840119, 9544849, 19074751, 20485447, 21515508, 25007885, 25612904, 27593222). Invitae Evidence Modeling of clinical and family history, age, sex, and reported ancestry of multiple individuals with this DMD variant has been performed. This variant is expected to be pathogenic with a positive predictive value of at least 99%. This is a validated machine learning model that incorporates the clinical features of 600,801 individuals referred to our laboratory for DMD testing. ClinVar contains an entry for this variant (Variation ID: 94428). Algorithms developed to predict the effect of sequence changes on RNA splicing suggest that this variant may disrupt the consensus splice site. For these reasons, this variant has been classified as Pathogenic.

GeneDx
Classification: Pathogenic. Last evaluated: 2025-04-14. Review status: criteria provided, single submitter. Criteria: GeneDx Variant Classification Process June 2021. Collection method: clinical testing. Allele origin: germline. Affected: yes.
Comment: Not observed in large population cohorts (gnomAD); Nonsense variant predicted to result in protein truncation or nonsense mediated decay in a gene for which loss-of-function is a known mechanism of disease; Based on the understanding of this genetic alteration, it may be amenable to nonsense read-through therapy that is currently available or in clinical trial; This variant is associated with the following publications: (PMID: 15351422, 27593222, 33057194, 37254189, 35982159, 26968818, 32962870, 17435279, 24349052, 25525159, 8840119, 17041906, 30907348, 32820569, 32528171, 32358784, 10909857)

3billion
Classification: Pathogenic for Duchenne muscular dystrophy. Last evaluated: 2024-12-24. Review status: criteria provided, single submitter. Criteria: ACMG Guidelines, 2015. Collection method: clinical testing. Allele origin: germline. Affected: yes.
Comment: The variant is not observed in the gnomAD v4.1.0 dataset. Predicted Consequence/Location: Stop-gained (nonsense): predicted to result in a loss or disruption of normal protein function through nonsense-mediated decay (NMD) or protein truncation. Multiple pathogenic variants are reported downstream of the variant. The variant has been reported at least twice as pathogenic with clinical assertions and evidence for the classification (ClinVar ID: VCV000094428 /PMID: 8840119 /3billion dataset). Therefore, this variant is classified as Pathogenic according to the recommendation of ACMG/AMP guideline.

Revvity Omics, Revvity
Classification: Pathogenic. Last evaluated: 2024-07-23. Review status: criteria provided, single submitter. Criteria: ACMG Guidelines, 2015. Collection method: clinical testing. Allele origin: germline.

Neuberg Centre For Genomic Medicine, NCGM
Classification: Pathogenic for Duchenne muscular dystrophy. Last evaluated: 2023-03-01. Review status: criteria provided, single submitter. Criteria: ACMG Guidelines, 2015. Collection method: clinical testing. Allele origin: germline. Inheritance: X-linked recessive inheritance. Affected: yes.
Comment: The stop gained c.10171C>T (p.Arg3391Ter) variant in DMD gene has been reported in hemizygous state in individuals affected with Duchenne muscular dystrophy (Mah JK, et al. 2011; Tuffery-Giraud et al. 2009). The p.Arg3391Ter variant is novel (not in any individuals) in gnomAD Exomes and 1000 Genomes. This variant has been reported to the ClinVar database as Pathogenic (multiple submitters). The nucleotide change c.10171C>T in DMD is predicted as conserved by GERP++ and PhyloP across 100 vertebrates. This variant is predicted to cause loss of normal protein function through protein truncation. Loss-of-function variants in DMD are known to be pathogenic (Santos R et al. 2014). For these reasons, this variant has been classified as Pathogenic.

Kariminejad - Najmabadi Pathology & Genetics Center
Classification: Pathogenic for Abnormality of the musculature. Last evaluated: 2021-07-10. Review status: criteria provided, single submitter. Criteria: ACMG Guidelines, 2015. Collection method: clinical testing. Allele origin: germline. Affected: yes.

Fulgent Genetics
Classification: Pathogenic for Becker muscular dystrophy; Dilated cardiomyopathy 3B; Duchenne muscular dystrophy. Last evaluated: 2018-10-31. Review status: criteria provided, single submitter. Criteria: ACMG Guidelines, 2015. Collection method: clinical testing. Allele origin: unknown.

Eurofins Ntd Llc (ga)
Classification: Pathogenic. Last evaluated: 2016-09-16. Review status: criteria provided, single submitter. Criteria: EGL Classification Definitions 2015. Collection method: clinical testing. Allele origin: germline. Observed: 4 variant alleles, 2 heterozygotes, 2 hemizygotes.

Athena Diagnostics
Classification: Pathogenic for Duchenne muscular dystrophy. Last evaluated: 2013-05-13. Review status: criteria provided, single submitter. Criteria: Athena Diagnostics Criteria. Collection method: clinical testing. Allele origin: germline. Inheritance: X-linked recessive inheritance.
Comment: X-linked recessive inheritance

Juno Genomics, Hangzhou Juno Genomics, Inc
Classification: Pathogenic for Becker muscular dystrophy; Dilated cardiomyopathy 3B; Duchenne muscular dystrophy. Review status: criteria provided, single submitter. Criteria: ACMG Guidelines, 2015. Collection method: clinical testing. Allele origin: germline. Affected: yes.
Comment: Null variant in a gene where loss of function (LOF) is a known mechanism of disease.;The prevalence of the variant in affected individuals is significantly increased compared to the prevalence in controls.;Absent from controls (or at extremely low frequency if recessive) in Genome Aggregation Database, Exome Sequencing Project, 1000 Genomes Project, or Exome Aggregation Consortium.;Patient's phenotype or family history is highly specific for a disease with a single genetic etiology.

Literature cited by the submitters: PubMed 20485447 (cited by 3 submitters); PubMed 25612904 (cited by 3 submitters); PubMed 19074751 (cited by Ambry Genetics and Labcorp Genetics (formerly Invitae), Labcorp); PubMed 27593222 (cited by Ambry Genetics and Labcorp Genetics (formerly Invitae), Labcorp); PubMed 16770791 (cited by Labcorp Genetics (formerly Invitae), Labcorp); PubMed 25007885 (cited by Labcorp Genetics (formerly Invitae), Labcorp); PubMed 8840119 (cited by 3 submitters); PubMed 9544849 (cited by Labcorp Genetics (formerly Invitae), Labcorp and Athena Diagnostics); PubMed 21515508 (cited by Labcorp Genetics (formerly Invitae), Labcorp); PubMed 19367636 (cited by Athena Diagnostics).

NM_004006.3(DMD):c.10171C>T (p.Arg3391Ter)

Gene: DMD (dystrophin; minus strand). Cytogenetic location: Xp21.2.
Variant type: single nucleotide variant.
Coding change: c.10171C>T on transcript NM_004006.3 (MANE Select); coding-DNA position 10171, C replaced by T.
Protein change: p.Arg3391Ter; replaces arginine 3391 with a stop codon.
Molecular consequence: nonsense.
Genome position (GRCh38, 1-based): chrX:31,178,721, G>A on the plus strand (C>T on the coding strand, the complement: DMD is on the minus strand). VCF-style: chrX-31178721-G-A. GRCh37 (hg19) VCF-style: chrX-31196838-G-A.
Other names: NP_003997.1:p.Arg3391*; p.R3391*:CGA>TGA; c.10147C>T, p.Arg3383Ter (NM_000109.4); c.10159C>T, p.Arg3387Ter (NM_004009.3); c.9802C>T, p.Arg3268Ter (NM_004010.3); c.6148C>T, p.Arg2050Ter (NM_004011.4); c.6139C>T, p.Arg2047Ter (NM_004012.4); c.2791C>T, p.Arg931Ter (NM_004013.3, NM_004020.4, NM_004021.3 and 2 more transcripts); and 2 more; short protein forms R3391*, R2047*, R2050*, R662*, R3387*, R323*, R3268*, R3383*.
Identifiers: ClinVar variation 94428 (VCV000094428.42), dbSNP rs398123832, ClinGen allele CA266859.
Genomic context (GRCh38, chrX:31,178,721, plus strand): 5'-CTACTCACGTTTCCATGTTGTCCCCCTCTAAGACAGTCTGCACTGGCAGGTAGCCCATTC[G>A]GGGATGCTTCGCAAAATACCTTTTGGTTCGAAATTTGTTTTTTAGTACCTTGGCAAAGTC-3'